The following is an entry in ClinVar:

ClinVar aggregate classification (germline): Uncertain significance (1 of 4 stars; one submission).

Submission:

Ambry Genetics
Classification: Uncertain significance. Last evaluated: 2024-09-25. Review status: criteria provided, single submitter. Criteria: Ambry Variant Classification Scheme 2023. Collection method: clinical testing. Allele origin: germline.
Comment: The p.Y61D variant (also known as c.181T>G), located in coding exon 2 of the ALPK2 gene, results from a T to G substitution at nucleotide position 181. The tyrosine at codon 61 is replaced by aspartic acid, an amino acid with highly dissimilar properties. This amino acid position is conserved. In addition, the in silico prediction for this alteration is inconclusive. Based on the available evidence, the clinical significance of this variant remains unclear.

NM_052947.4(ALPK2):c.181T>G (p.Tyr61Asp)

Gene: ALPK2 (alpha kinase 2; minus strand). Cytogenetic location: 18q21.32.
Variant type: single nucleotide variant.
Coding change: c.181T>G on transcript NM_052947.4 (MANE Select); coding-DNA position 181, T replaced by G.
Protein change: p.Tyr61Asp; replaces tyrosine 61 with aspartic acid.
Molecular consequence: missense variant.
Genome position (GRCh38, 1-based): chr18:58,607,368, A>C on the plus strand (T>G on the coding strand, the complement: ALPK2 is on the minus strand). VCF-style: chr18-58607368-A-C. GRCh37 (hg19) VCF-style: chr18-56274600-A-C.
Other names: short protein forms Y61D.
Identifiers: ClinVar variation 3531587 (VCV003531587.1).
Genomic context (GRCh38, chr18:58,607,368, plus strand): 5'-GTATAGCCACTTACCAAGAGAGATGTAACACATGAATATACTGATTCTCAAAGAATTCAT[A>C]GTTGGAAATAATGCCACTCCCATCGATGGCCTGACCATTCTTATACCAAGTTACCTCTGG-3'
Protein context (NP_443179.3, residues 51-71): AIDGSGIISN[Tyr61Asp]EFFENQYIHV